The following is an entry in ClinVar:

NM_000152.5(GAA):c.2137T>C (p.Phe713Leu)

Gene: GAA (alpha glucosidase; plus strand). Cytogenetic location: 17q25.3.
Variant type: single nucleotide variant.
Coding change: c.2137T>C on transcript NM_000152.5 (MANE Select); coding-DNA position 2137, T replaced by C.
Protein change: p.Phe713Leu; replaces phenylalanine 713 with leucine.
Molecular consequence: missense variant.
Genome position (GRCh38, 1-based): chr17:80,113,314, T>C. VCF-style: chr17-80113314-T-C. GRCh37 (hg19) VCF-style: chr17-78087113-T-C.
Other names: c.2137T>C, p.Phe713Leu (NM_001079803.3, NM_001079804.3); short protein forms F713L.
Identifiers: ClinVar variation 1398512 (VCV001398512.7), dbSNP rs755618776, ClinGen allele CA8815622.
Genomic context (GRCh38, chr17:80,113,314, plus strand): 5'-CAGGCCATGAGGAAGGCCCTCACCCTGCGCTACGCACTCCTCCCCCACCTCTACACACTG[T>C]TCCACCAGGCCCACGTCGCGGGGGAGACCGTGGCCCGGCCCCTCTTCCTGGAGTGAGTGA-3'
Protein context (NP_000143.2, residues 703-723): YALLPHLYTL[Phe713Leu]HQAHVAGETV

ClinVar aggregate classification (germline): Uncertain significance. Review status: criteria provided, multiple submitters, no conflicts (2 of 4 stars). 3 submissions from 3 submitters: Uncertain significance (3). Last evaluated 2026-02-24.

Conditions:
Glycogen storage disease, type II (IOPD). Also called: Glucosidase acid-1,4-alpha deficiency; Glycogen storage disease type 2; Acid maltase deficiency disease; Aglucosidase alfa; Deficiency of alpha-glucosidase; Deficiency of lysosomal alpha-glucosidase. Identifiers: Orphanet 365, MedGen C0017921, MONDO:0009290, OMIM 232300.
Cardiovascular phenotype. Identifiers: MedGen CN230736.

Allele frequency attached by ClinVar (database versions not stated): gnomAD exomes 0.00001 and below 0.00001; ExAC 0.00002; TOPMed 0.00001.
gnomAD v4.1: 3 of 1,599,722 alleles (0.00019%); highest among the groups gnomAD compares: Admixed American, 0.0017%; no homozygotes.

Submissions (3):

GeneDx
Classification: Uncertain significance. Last evaluated: 2026-02-24. Review status: criteria provided, single submitter. Criteria: GeneDx Variant Classification Process June 2021. Collection method: clinical testing. Allele origin: germline.
Comment: Not observed at significant frequency in large population cohorts (gnomAD); In silico analysis supports that this missense variant has a deleterious effect on protein structure/function; Has not been previously published as pathogenic or benign to our knowledge

Ambry Genetics
Classification: Uncertain significance for Cardiovascular phenotype. Last evaluated: 2022-08-17. Review status: criteria provided, single submitter. Criteria: Ambry Variant Classification Scheme 2023. Collection method: clinical testing. Allele origin: germline.
Comment: The p.F713L variant (also known as c.2137T>C), located in coding exon 14 of the GAA gene, results from a T to C substitution at nucleotide position 2137. The phenylalanine at codon 713 is replaced by leucine, an amino acid with highly similar properties. This amino acid position is conserved. In addition, this alteration is predicted to be deleterious by in silico analysis. Since supporting evidence is limited at this time, the clinical significance of this alteration remains unclear.

Labcorp Genetics (formerly Invitae), Labcorp
Classification: Uncertain significance for Glycogen storage disease, type II. Last evaluated: 2021-10-28. Review status: criteria provided, single submitter. Criteria: Invitae Variant Classification Sherloc (09022015). Collection method: clinical testing. Allele origin: germline.
Comment: This sequence change replaces phenylalanine, which is neutral and non-polar, with leucine, which is neutral and non-polar, at codon 713 of the GAA protein (p.Phe713Leu). The frequency data for this variant in the population databases is considered unreliable, as metrics indicate poor data quality at this position in the gnomAD database. This variant has not been reported in the literature in individuals affected with GAA-related conditions. Advanced modeling of protein sequence and biophysical properties (such as structural, functional, and spatial information, amino acid conservation, physicochemical variation, residue mobility, and thermodynamic stability) performed at Invitae indicates that this missense variant is expected to disrupt GAA protein function. In summary, the available evidence is currently insufficient to determine the role of this variant in disease. Therefore, it has been classified as a Variant of Uncertain Significance.